The following is an entry in ClinVar:

NM_206933.4(USH2A):c.12295-3T>A

Gene: USH2A (usherin; minus strand). Cytogenetic location: 1q41.
Variant type: single nucleotide variant.
Coding change: c.12295-3T>A on transcript NM_206933.4 (MANE Select); 3 bases into the intron before coding-DNA position 12295, T replaced by A.
Molecular consequence: intron variant.
Genome position (GRCh38, 1-based): chr1:215,675,619, A>T on the plus strand (T>A on the coding strand, the complement: USH2A is on the minus strand). VCF-style: chr1-215675619-A-T. GRCh37 (hg19) VCF-style: chr1-215848961-A-T.
Other names: c.12295-3T>A (NM_206933.3).
Identifiers: ClinVar variation 48395 (VCV000048395.36), dbSNP rs111033518, ClinGen allele CA143283.

ClinVar aggregate classification (germline): Pathogenic. Review status: reviewed by expert panel (3 of 4 stars). 13 submissions from 13 submitters: Pathogenic (1). 12 of the submissions do not count toward it. Last evaluated 2022-10-31.

Conditions:
Usher syndrome. Also called: Usher Syndromes; Usher's syndrome. Identifiers: Orphanet 886, MedGen CN469326, MeSH D052245, MONDO:0019501. Disease mechanism: loss of function.
USH2A-related disorder. Also called: USH2A-related disorders; USH2A-related condition. Identifiers: MedGen CN239332.
Usher syndrome type 2A. Also called: RETINAL DISEASE IN USHER SYNDROME TYPE IIA, MODIFIER OF; USHER SYNDROME, TYPE IIA. Identifiers: Orphanet 231178, Orphanet 886, MedGen C1848634, MONDO:0010169, OMIM 276901.
Retinitis pigmentosa 39 (RP39). Identifiers: Orphanet 791, MedGen C3151138, MONDO:0013436, OMIM 613809.
Retinitis pigmentosa (RP). Identifiers: Orphanet 791, MedGen C0035334, MeSH D012174, MONDO:0019200, OMIM 268000. Inheritance: Autosomal dominant, autosomal recessive and X linked inheritance.

Allele frequency attached by ClinVar (database versions not stated): gnomAD exomes below 0.00001 and 0.00005; ExAC 0.00001; gnomAD 0.00005 and 0.00006; TOPMed 0.00005; ESP Exome Variant Server 0.00008.
gnomAD v4.1: 87 of 1,614,048 alleles (0.0054%); highest among the groups gnomAD compares: Non-Finnish European, 0.007%; no homozygotes.

Submissions (13):

ClinGen Hearing Loss Variant Curation Expert Panel
Classification: Pathogenic for Usher syndrome. Last evaluated: 2022-10-31. Review status: reviewed by expert panel. Criteria: Clingen Hl Acmg Specifications Cdh23 Coch Gjb2 Kcnq4 Myo6 Myo7a Slc26a4 Tecta Ush2a V2. Collection method: curation. Allele origin: germline. Inheritance: Autosomal recessive inheritance.
Comment: The c.12295-3T>A variant in USH2A is an intronic variant located within the acceptor splice consensus sequence of intron 62. The highest population minor allele frequency in gnomAD v2.1.1 is 0.000039 (5/127918 alleles) in the European (non-Finnish) population, which is lower than the ClinGen Hearing Loss VCEP threshold (<0.00007) for PM2_Supporting, meeting this criterion (PM2_Supporting). The variant has been identified in 4 individuals with clinical features or diagnosis of Usher syndrome with hearing loss (PMID: 25649381, 22135276; PP4). Three of these individuals were compound heterozygous, phase unknown, with the pathogenic p.Glu767Serfs*21 USH2A variant. The fourth individual harbored the Tyr4031* variant in USH2A, which was likely in trans as shown through RT-PCR sequencing (PM3_Strong). While this variant does not occur within the canonical splice site (±1,2), it has been shown to cause out-of-frame exon skipping in patient-derived cells and pathogenic variants in this exon have been reported in ClinVar (PVS1_Strong, PMID:25649381). In summary, this variant meets criteria to be classified as pathogenic for autosomal recessive Usher syndrome based on the ACMG/AMP criteria applied as specified by the ClinGen Hearing Loss VCEP: PVS1_Strong, PM3_Strong, PM2_Supporting, PP4 (ClinGen Hearing Loss VCEP specifications version 2; 10/31/2022).

PreventionGenetics, part of Exact Sciences
Classification: Pathogenic for USH2A-related condition. Last evaluated: 2026-02-20. Review status: criteria provided, single submitter. Criteria: ACMG Guidelines, 2015. Collection method: clinical testing. Allele origin: germline. Not counted in ClinVar's aggregate classification.
Comment: The USH2A c.12295-3T>A variant is predicted to interfere with splicing. This variant has been reported in individuals with Usher syndrome or non-syndromic retinal disease (see for example: Le Quesne Stabej et al. 2012. PubMed ID: 22135276; Lee et al. 2015. PubMed ID: 25910913; Table S4, Panneman et al. 2023. PubMed ID: 36819107). This variant has been shown to result in abnormal splicing and is proposed to be "retinal disease-specific" (Lenassi et al. 2015. PubMed ID: 25649381). This variant is reported in 0.0039% of alleles in individuals of European (Non-Finnish) descent in gnomAD. This variant is interpreted as pathogenic.

Labcorp Genetics (formerly Invitae), Labcorp
Classification: Pathogenic. Last evaluated: 2025-12-31. Review status: criteria provided, single submitter. Criteria: Invitae Variant Classification Sherloc (09022015). Collection method: clinical testing. Allele origin: germline. Not counted in ClinVar's aggregate classification.
Comment: This sequence change falls in intron 62 of the USH2A gene. It does not directly change the encoded amino acid sequence of the USH2A protein. RNA analysis indicates that this variant induces altered splicing and may result in an absent or altered protein product. This variant is present in population databases (rs111033518, gnomAD 0.005%). This variant has been observed in individual(s) with clinical features of USH2A-related disease (PMID: 22135276, 25649381, 25910913). In at least one individual the data is consistent with being in trans (on the opposite chromosome) from a pathogenic variant. ClinVar contains an entry for this variant (Variation ID: 48395). Variants that disrupt the consensus splice site are a relatively common cause of aberrant splicing (PMID: 17576681, 9536098). Studies have shown that this variant results in exon 63 skipping, and produces a non-functional protein and/or introduces a premature termination codon (PMID: 25649381). For these reasons, this variant has been classified as Pathogenic.

GeneDx
Classification: Pathogenic. Last evaluated: 2025-11-05. Review status: criteria provided, single submitter. Criteria: GeneDx Variant Classification Process June 2021. Collection method: clinical testing. Allele origin: germline. Affected: yes. Not counted in ClinVar's aggregate classification.
Comment: Not observed at significant frequency in large population cohorts (gnomAD); RNA functional studies of the c.12295-3T>A variant demonstrate out-of-frame skipping of exon 63 which leads to the expression of a smaller transcript and results in a premature termination codon (PMID: 25649381); This variant is associated with the following publications: (PMID: 25910913, 32531858, 22135276, 36011402, 31964843, 36819107, 36785559, 32037395, 36041150, 38219857, 36011334, 25649381)

Natera, Inc.
Classification: Likely pathogenic for Usher syndrome type 2A. Last evaluated: 2025-02-04. Review status: criteria provided, single submitter. Criteria: Natera Variant Classification Schema (03/2026). Collection method: clinical testing. Allele origin: germline. Not counted in ClinVar's aggregate classification.
Comment: The c.12295-3T>A variant in USH2A is an intronic variant located outside the canonical splice sites. This variant is rare in the general population with a frequency below the threshold expected for the associated phenotype(s). This variant has been observed in one or more individuals affected with the associated recessive disease, as either homozygous or compound heterozygous with a second variant (PMID: 25649381, 22135276, 36819107). Functional studies show that this variant may disrupt protein function (PMID: 25649381). Computational prediction algorithms indicate this variant is likely to affect gene or protein function. Given the available evidence, this variant is classified as Likely Pathogenic.

Fulgent Genetics
Classification: Pathogenic for Usher syndrome type 2A; Retinitis pigmentosa 39. Last evaluated: 2024-05-09. Review status: criteria provided, single submitter. Criteria: ACMG Guidelines, 2015. Collection method: clinical testing. Allele origin: germline. Not counted in ClinVar's aggregate classification.

Baylor Genetics
Classification: Pathogenic for Retinitis pigmentosa 39. Last evaluated: 2024-03-21. Review status: criteria provided, single submitter. Criteria: ACMG Guidelines, 2015. Collection method: clinical testing. Allele origin: unknown. Not counted in ClinVar's aggregate classification.

Blueprint Genetics
Classification: Pathogenic for USH2A-related disorders. Last evaluated: 2024-02-13. Review status: criteria provided, single submitter. Criteria: ACMG Guidelines, 2015. Collection method: clinical testing. Allele origin: germline. Affected: yes. Observed: 5 variant alleles. Not counted in ClinVar's aggregate classification.

Broad Center for Mendelian Genomics, Broad Institute of MIT and Harvard
Classification: Likely pathogenic for Retinitis pigmentosa. Last evaluated: 2021-04-01. Review status: criteria provided, single submitter. Criteria: ACMG Guidelines, 2015. Collection method: curation. Allele origin: germline. Inheritance: Autosomal recessive inheritance. Affected: yes. Not counted in ClinVar's aggregate classification.
Comment: Through a review of available evidence we were able to apply the following criteria: PS3, PM2. Based on this evidence we have classified this variant as Likely Pathogenic. If you have any questions about the classification please reach out to the Pierce Lab.

Laboratory for Molecular Medicine, Mass General Brigham Personalized Medicine
Classification: Pathogenic for Usher syndrome. Last evaluated: 2019-02-07. Review status: criteria provided, single submitter. Criteria: LMM Criteria. Collection method: clinical testing. Allele origin: germline. Inheritance: Autosomal recessive inheritance. Observed: 1 variant allele. Not counted in ClinVar's aggregate classification.
Comment: proposed classification - variant undergoing re-assessment, contact laboratory

Genomic Diagnostic Laboratory, Division of Genomic Diagnostics, Children's Hospital of Philadelphia
Classification: Uncertain significance. Last evaluated: 2015-08-10. Review status: criteria provided, single submitter. Criteria: DGD Variant Analysis Guidelines. Collection method: clinical testing. Allele origin: unknown. Not counted in ClinVar's aggregate classification.

Eurofins Ntd Llc (ga)
Classification: Pathogenic. Last evaluated: 2015-04-27. Review status: criteria provided, single submitter. Criteria: EGL Classification Definitions 2015. Collection method: clinical testing. Allele origin: germline. Observed: 1 variant allele, 1 heterozygote. Not counted in ClinVar's aggregate classification.

Counsyl
Classification: Likely pathogenic for Retinitis pigmentosa 39. Last evaluated: 2017-06-21. Review status: no assertion criteria provided. Collection method: clinical testing. Allele origin: unknown. Not counted in ClinVar's aggregate classification.

Literature cited by the submitters: PubMed 25649381 (cited by 6 submitters); PubMed 22135276 (cited by 6 submitters); PubMed 25910913 (cited by 5 submitters); PubMed 17576681 (cited by Labcorp Genetics (formerly Invitae), Labcorp); PubMed 9536098 (cited by Labcorp Genetics (formerly Invitae), Labcorp); PubMed 36819107 (cited by Natera, Inc.); PubMed 34906470 (cited by Broad Center for Mendelian Genomics, Broad Institute of MIT and Harvard).